The following is an entry in ClinVar:

ClinVar aggregate classification (germline): Uncertain significance. Review status: criteria provided, multiple submitters, no conflicts (2 of 4 stars). 2 submissions from 2 submitters: Uncertain significance (2). Last evaluated 2024-11-07.

Conditions:
Inborn genetic diseases. Identifiers: MedGen C0950123, MeSH D030342.

Allele frequency attached by ClinVar (database versions not stated): ExAC 0.00001; gnomAD exomes 0.00001; TOPMed 0.00004; gnomAD 0.00005.
gnomAD v4.1: 26 of 1,508,298 alleles (0.0017%); highest among the groups gnomAD compares: African/African-American, 0.0027%; no homozygotes.

Submissions (2):

Ambry Genetics
Classification: Uncertain significance for Inborn genetic diseases. Last evaluated: 2024-11-07. Review status: criteria provided, single submitter. Criteria: Ambry Variant Classification Scheme 2023. Collection method: clinical testing. Allele origin: germline.

Labcorp Genetics (formerly Invitae), Labcorp
Classification: Uncertain significance. Last evaluated: 2024-10-22. Review status: criteria provided, single submitter. Criteria: Invitae Variant Classification Sherloc (09022015). Collection method: clinical testing. Allele origin: germline.
Comment: This sequence change replaces isoleucine, which is neutral and non-polar, with asparagine, which is neutral and polar, at codon 407 of the PLOD2 protein (p.Ile407Asn). This variant is present in population databases (rs770635934, gnomAD 0.004%). This variant has not been reported in the literature in individuals affected with PLOD2-related conditions. ClinVar contains an entry for this variant (Variation ID: 1930107). Invitae Evidence Modeling of protein sequence and biophysical properties (such as structural, functional, and spatial information, amino acid conservation, physicochemical variation, residue mobility, and thermodynamic stability) indicates that this missense variant is expected to disrupt PLOD2 protein function with a positive predictive value of 80%. In summary, the available evidence is currently insufficient to determine the role of this variant in disease. Therefore, it has been classified as a Variant of Uncertain Significance.

NM_182943.3(PLOD2):c.1220T>A (p.Ile407Asn)

Gene: PLOD2 (procollagen-lysine,2-oxoglutarate 5-dioxygenase 2; minus strand). Cytogenetic location: 3q24.
Variant type: single nucleotide variant.
Coding change: c.1220T>A on transcript NM_182943.3 (MANE Select); coding-DNA position 1220, T replaced by A.
Protein change: p.Ile407Asn; replaces isoleucine 407 with asparagine.
Molecular consequence: missense variant.
Genome position (GRCh38, 1-based): chr3:146,085,181, A>T on the plus strand (T>A on the coding strand, the complement: PLOD2 is on the minus strand). VCF-style: chr3-146085181-A-T. GRCh37 (hg19) VCF-style: chr3-145802968-A-T.
Other names: c.1220T>A, p.Ile407Asn (NM_000935.3); short protein forms I407N.
Identifiers: ClinVar variation 1930107 (VCV001930107.4), dbSNP rs770635934, ClinGen allele CA2654968.